The following is an entry in ClinVar:

NM_000492.4(CFTR):c.821C>G (p.Ala274Gly)

Gene: CFTR (CF transmembrane conductance regulator; plus strand). Cytogenetic location: 7q31.2.
Variant type: single nucleotide variant.
Coding change: c.821C>G on transcript NM_000492.4 (MANE Select); coding-DNA position 821, C replaced by G.
Protein change: p.Ala274Gly; replaces alanine 274 with glycine.
Molecular consequence: missense variant.
Genome position (GRCh38, 1-based): chr7:117,536,625, C>G. VCF-style: chr7-117536625-C-G. GRCh37 (hg19) VCF-style: chr7-117176679-C-G.
Other names: short protein forms A274G.
Identifiers: ClinVar variation 4064432 (VCV004064432.2).

ClinVar aggregate classification (germline): Uncertain significance. Review status: criteria provided, single submitter (1 of 4 stars). 2 submissions from 2 submitters: Uncertain significance (1). 1 of the submissions does not count toward it. Last evaluated 2025-08-10.

Conditions:
Cystic fibrosis (CF). Also called: MUCOVISCIDOSIS. Identifiers: Orphanet 586, MedGen C0010674, MONDO:0009061, OMIM 219700. Disease mechanism: loss of function.
CFTR-related disorder (CFTR-RD). Also called: CFTR-related disorders; CFTR-related condition. Identifiers: MedGen C5924204, MONDO:7770004.

Submissions (2):

Ambry Genetics
Classification: Uncertain significance for Cystic fibrosis. Last evaluated: 2025-08-10. Review status: criteria provided, single submitter. Criteria: Ambry Variant Classification Scheme 2023. Collection method: clinical testing. Allele origin: germline.
Comment: The p.A274G variant (also known as c.821C>G), located in coding exon 7 of the CFTR gene, results from a C to G substitution at nucleotide position 821. The alanine at codon 274 is replaced by glycine, an amino acid with similar properties. This amino acid position is conserved. In addition, this alteration is predicted to be deleterious by in silico analysis. Based on the available evidence, the clinical significance of this variant remains unclear.

Natera, Inc.
Classification: Uncertain significance for CFTR-related disorders. Last evaluated: 2025-05-12. Review status: no assertion criteria provided. Collection method: clinical testing. Allele origin: germline. Not counted in ClinVar's aggregate classification.